The following is an entry in ClinVar:

NM_000170.3(GLDC):c.580G>A (p.Ala194Thr)

Gene: GLDC (glycine decarboxylase; minus strand). Cytogenetic location: 9p24.1.
Variant type: single nucleotide variant.
Coding change: c.580G>A on transcript NM_000170.3 (MANE Select); coding-DNA position 580, G replaced by A.
Protein change: p.Ala194Thr; replaces alanine 194 with threonine.
Molecular consequence: missense variant.
Genome position (GRCh38, 1-based): chr9:6,610,247, C>T on the plus strand (G>A on the coding strand, the complement: GLDC is on the minus strand). VCF-style: chr9-6610247-C-T. GRCh37 (hg19) VCF-style: chr9-6610247-C-T.
Other names: short protein forms A194T.
Identifiers: ClinVar variation 2136257 (VCV002136257.3), dbSNP rs201696681, ClinGen allele CA188692628.

ClinVar aggregate classification (germline): Uncertain significance (1 of 4 stars; one submission).

Conditions:
Glycine encephalopathy. Also called: Non-ketotic hyperglycinemia; Nonketotic hyperglycinemia. Identifiers: Orphanet 407, MedGen C0751748, MONDO:0011612, HP:0008288.

Allele frequency attached by ClinVar (database versions not stated): TOPMed 0.00001.

Submission:

GeneDx
Classification: Uncertain significance. Last evaluated: 2022-07-21. Review status: criteria provided, single submitter. Criteria: GeneDx Variant Classification Process June 2021. Collection method: clinical testing. Allele origin: germline. Affected: yes.
Comment: Not observed at significant frequency in large population cohorts (gnomAD); In silico analysis supports that this missense variant has a deleterious effect on protein structure/function; Has not been previously published as pathogenic or benign to our knowledge